The following is an entry in ClinVar:

ClinVar aggregate classification (germline): Uncertain significance. Review status: criteria provided, multiple submitters, no conflicts (2 of 4 stars). 2 submissions from 2 submitters: Uncertain significance (2). Last evaluated 2024-02-07.

gnomAD v4.1: 3 of 1,612,374 alleles (0.00019%); highest among the groups gnomAD compares: Non-Finnish European, 0.00025%; no homozygotes.

Submissions (2):

Labcorp Genetics (formerly Invitae), Labcorp
Classification: Uncertain significance. Last evaluated: 2024-02-07. Review status: criteria provided, single submitter. Criteria: Invitae Variant Classification Sherloc (09022015). Collection method: clinical testing. Allele origin: germline.
Comment: This sequence change replaces isoleucine, which is neutral and non-polar, with serine, which is neutral and polar, at codon 136 of the PEX3 protein (p.Ile136Ser). This variant is not present in population databases (gnomAD no frequency). This variant has not been reported in the literature in individuals affected with PEX3-related conditions. Advanced modeling of protein sequence and biophysical properties (such as structural, functional, and spatial information, amino acid conservation, physicochemical variation, residue mobility, and thermodynamic stability) performed at Invitae indicates that this missense variant is expected to disrupt PEX3 protein function with a positive predictive value of 80%. In summary, the available evidence is currently insufficient to determine the role of this variant in disease. Therefore, it has been classified as a Variant of Uncertain Significance.

Blueprint Genetics
Classification: Uncertain significance. Last evaluated: 2023-02-16. Review status: criteria provided, single submitter. Criteria: ACMG Guidelines, 2015. Collection method: clinical testing. Allele origin: germline.

NM_003630.3(PEX3):c.407T>G (p.Ile136Ser)

Gene: PEX3 (peroxisomal biogenesis factor 3; plus strand). Cytogenetic location: 6q24.2.
Variant type: single nucleotide variant.
Coding change: c.407T>G on transcript NM_003630.3 (MANE Select); coding-DNA position 407, T replaced by G.
Protein change: p.Ile136Ser; replaces isoleucine 136 with serine.
Molecular consequence: missense variant.
Genome position (GRCh38, 1-based): chr6:143,471,036, T>G. VCF-style: chr6-143471036-T-G. GRCh37 (hg19) VCF-style: chr6-143792173-T-G.
Other names: short protein forms I136S.
Identifiers: ClinVar variation 3677059 (VCV003677059.3).